The following is an entry in ClinVar:

ClinVar aggregate classification (germline): Uncertain significance. Review status: criteria provided, multiple submitters, no conflicts (2 of 4 stars). 2 submissions from 2 submitters: Uncertain significance (2). Last evaluated 2025-04-15.

Conditions:
Radio-Tartaglia syndrome. Identifiers: Orphanet 662234, MedGen C5543339, MONDO:0859143, OMIM 619312.
Inborn genetic diseases. Identifiers: MedGen C0950123, MeSH D030342.

gnomAD v4.1: 57 of 1,613,874 alleles (0.0035%); highest among the groups gnomAD compares: Non-Finnish European, 0.0042%; no homozygotes.

Submissions (2):

Ambry Genetics
Classification: Uncertain significance for Inborn genetic diseases. Last evaluated: 2025-04-15. Review status: criteria provided, single submitter. Criteria: Ambry Variant Classification Scheme 2023. Collection method: clinical testing. Allele origin: germline.

Servicio de Genética Del Instituto Nacional de Salud Del Niño, Ministerio de Salud
Classification: Uncertain significance for Radio-Tartaglia syndrome. Last evaluated: 2024-11-18. Review status: criteria provided, single submitter. Criteria: ACMG Guidelines, 2015. Collection method: clinical testing. Allele origin: germline. Inheritance: Autosomal dominant inheritance.
Comment: The variant NM_015001.3:c.2243C>T, p.Pro748Leu causes a proline to leucine substitution at position 748 in the protein. Proline is a structurally important amino acid, and its substitution with leucine may disrupt the protein's conformation. According to ACMG/AMP guidelines, the variant is classified as PM2 (low frequency in population databases), suggesting it is unlikely to be a common benign variant. Additionally, BP4 (in silico prediction suggests a benign effect) indicates that computational models predict the substitution does not significantly affect the protein's function. While the bioinformatic evidence points towards a less likely pathogenic role, further functional studies are needed to confirm its significance. The variant is classified as uncertain significance

NM_015001.3(SPEN):c.2243C>T (p.Pro748Leu)

Gene: SPEN (spen family transcriptional repressor; plus strand). Cytogenetic location: 1p36.13.
Variant type: single nucleotide variant.
Coding change: c.2243C>T on transcript NM_015001.3 (MANE Select); coding-DNA position 2243, C replaced by T.
Protein change: p.Pro748Leu; replaces proline 748 with leucine.
Molecular consequence: missense variant.
Genome position (GRCh38, 1-based): chr1:15,928,483, C>T. VCF-style: chr1-15928483-C-T. GRCh37 (hg19) VCF-style: chr1-16254978-C-T.
Other names: c.2243C>T (NM_015001.2); short protein forms P748L.
Identifiers: ClinVar variation 3381230 (VCV003381230.3).